The following is an entry in ClinVar:

NM_000138.5(FBN1):c.7399del (p.Gln2467fs)

Gene: FBN1 (fibrillin 1; minus strand). Cytogenetic location: 15q21.1.
Variant type: Deletion.
Coding change: c.7399del on transcript NM_000138.5 (MANE Select); coding-DNA position 7399, one base deleted (C; older notation c.7399delC).
Protein change: p.Gln2467fs; shifts the reading frame from glutamine 2467.
Molecular consequence: frameshift variant.
Genome position (GRCh38, 1-based): chr15:48,425,423, G deleted on the plus strand (C on the coding strand, the reverse complement: FBN1 is on the minus strand); the first of 2 consecutive G bases (chr15:48,425,423-48,425,424); deleting either gives the same sequence. VCF-style (leftmost placement, unchanged base first): chr15-48425422-TG-T. GRCh37 (hg19) VCF-style: chr15-48717619-TG-T.
Other names: short protein forms Q2467fs.
Identifiers: ClinVar variation 983044 (VCV000983044.2), dbSNP rs2042971434, ClinGen allele CA1139663919.

ClinVar aggregate classification (germline): Pathogenic/Likely pathogenic. Review status: criteria provided, multiple submitters, no conflicts (2 of 4 stars). 2 submissions from 2 submitters: Pathogenic (1); Likely pathogenic (1). Last evaluated 2025-12-17.

Conditions:
Marfan syndrome (MFS). Also called: FBN1-Related Marfan Syndrome; MARFAN SYNDROME, TYPE I; Marfan syndrome type 1; Marfan's syndrome; Marfan syndrome, classic. Identifiers: Orphanet 284963, Orphanet 558, MedGen C0024796, MONDO:0007947, OMIM 154700.
Familial thoracic aortic aneurysm and aortic dissection (TAAD). Also called: Thoracic aortic aneurysms and dissections. Identifiers: Orphanet 91387, MedGen C4707243, MONDO:0019625.

Submissions (2):

Labcorp Genetics (formerly Invitae), Labcorp
Classification: Pathogenic for Marfan syndrome; Familial thoracic aortic aneurysm and aortic dissection. Last evaluated: 2025-12-17. Review status: criteria provided, single submitter. Criteria: Invitae Variant Classification Sherloc (09022015). Collection method: clinical testing. Allele origin: germline.
Comment: This sequence change creates a premature translational stop signal (p.Gln2467Serfs*215) in the FBN1 gene. It is expected to result in an absent or disrupted protein product. Loss-of-function variants in FBN1 are known to be pathogenic (PMID: 17657824, 19293843). This variant is not present in population databases (gnomAD no frequency). This variant has not been reported in the literature in individuals affected with FBN1-related conditions. ClinVar contains an entry for this variant (Variation ID: 983044). For these reasons, this variant has been classified as Pathogenic.

Institute of Human Genetics, University of Leipzig Medical Center
Classification: Likely pathogenic for Marfan syndrome. Last evaluated: 2019-01-01. Review status: criteria provided, single submitter. Criteria: ACMG Guidelines, 2015. Collection method: clinical testing. Allele origin: unknown. Affected: yes.

Literature cited by the submitters: PubMed 17657824 (cited by Labcorp Genetics (formerly Invitae), Labcorp); PubMed 19293843 (cited by Labcorp Genetics (formerly Invitae), Labcorp).